The following is an entry in ClinVar:

ClinVar aggregate classification (germline): Uncertain significance (1 of 4 stars; one submission).

Submission:

Labcorp Genetics (formerly Invitae), Labcorp
Classification: Uncertain significance. Last evaluated: 2024-10-30. Review status: criteria provided, single submitter. Criteria: Invitae Variant Classification Sherloc (09022015). Collection method: clinical testing. Allele origin: germline.
Comment: This sequence change replaces glutamine, which is neutral and polar, with proline, which is neutral and non-polar, at codon 54 of the TBXA2R protein (p.Gln54Pro). This variant is present in population databases (rs778837314, gnomAD 0.0009%). This variant has not been reported in the literature in individuals affected with TBXA2R-related conditions. Invitae Evidence Modeling of protein sequence and biophysical properties (such as structural, functional, and spatial information, amino acid conservation, physicochemical variation, residue mobility, and thermodynamic stability) indicates that this missense variant is not expected to disrupt TBXA2R protein function with a negative predictive value of 80%. In summary, the available evidence is currently insufficient to determine the role of this variant in disease. Therefore, it has been classified as a Variant of Uncertain Significance.

NM_001060.6(TBXA2R):c.161A>C (p.Gln54Pro)

Gene: TBXA2R (thromboxane A2 receptor; minus strand). Cytogenetic location: 19p13.3.
Variant type: single nucleotide variant.
Coding change: c.161A>C on transcript NM_001060.6 (MANE Select); coding-DNA position 161, A replaced by C.
Protein change: p.Gln54Pro; replaces glutamine 54 with proline.
Molecular consequence: missense variant.
Genome position (GRCh38, 1-based): chr19:3,600,474, T>G on the plus strand (A>C on the coding strand, the complement: TBXA2R is on the minus strand). VCF-style: chr19-3600474-T-G. GRCh37 (hg19) VCF-style: chr19-3600472-T-G.
Other names: c.161A>C, p.Gln54Pro (NM_201636.3); short protein forms Q54P.
Identifiers: ClinVar variation 3724041 (VCV003724041.2).